The following is an entry in ClinVar:

NM_000371.4(TTR):c.434C>A (p.Pro145His)

Gene: TTR (transthyretin; plus strand). Cytogenetic location: 18q12.1.
Variant type: single nucleotide variant.
Coding change: c.434C>A on transcript NM_000371.4 (MANE Select); coding-DNA position 434, C replaced by A.
Protein change: p.Pro145His; replaces proline 145 with histidine.
Molecular consequence: missense variant.
Genome position (GRCh38, 1-based): chr18:31,598,665, C>A. VCF-style: chr18-31598665-C-A. GRCh37 (hg19) VCF-style: chr18-29178628-C-A.
Other names: short protein forms P145H.
Identifiers: ClinVar variation 2099581 (VCV002099581.6), dbSNP rs11541798, ClinGen allele CA297742019.

ClinVar aggregate classification (germline): Uncertain significance. Review status: criteria provided, multiple submitters, no conflicts (2 of 4 stars). 3 submissions from 3 submitters: Uncertain significance (3). Last evaluated 2024-09-30.

Conditions:
Amyloidosis, hereditary systemic 1 (AMYLD1). Also called: Hereditary Transthyretin Amyloidosis; Familial amyloid polyneuropathy; Transthyretin Amyloidosis; Isolated Cardiac Amyloidosis; Amyloid Cardiomyopathy, Transthyretin-related; Hereditary oculoleptomeningeal amyloid angiopathy. Identifiers: Orphanet 85447, Orphanet 85451, MedGen C2751492, MONDO:0971004, OMIM 105210.

Allele frequency attached by ClinVar (database versions not stated): TOPMed below 0.00001; gnomAD 0.00001.
gnomAD v4.1: 1 of 1,614,038 alleles (0.000062%); highest among the groups gnomAD compares: African/African-American, 0.0013%; no homozygotes.

Submissions (3):

Women's Health and Genetics/Laboratory Corporation of America, LabCorp
Classification: Uncertain significance. Last evaluated: 2024-09-30. Review status: criteria provided, single submitter. Criteria: LabCorp Variant Classification Summary - May 2015. Collection method: clinical testing. Allele origin: germline.
Comment: Variant summary: TTR c.434C>A (p.Pro145His) results in a non-conservative amino acid change located in the Transthyretin/hydroxyisourate hydrolase domain (IPR023416) of the encoded protein sequence. Five of five in-silico tools predict a damaging effect of the variant on protein function. The variant was absent in 251410 control chromosomes. The available data on variant occurrences in the general population are insufficient to allow any conclusion about variant significance. To our knowledge, no occurrence of c.434C>A in individuals affected with Transthyretin Amyloidosis and no experimental evidence demonstrating its impact on protein function have been reported. ClinVar contains an entry for this variant (Variation ID: 2099581). Based on the evidence outlined above, the variant was classified as uncertain significance.

GeneDx
Classification: Uncertain significance. Last evaluated: 2022-10-17. Review status: criteria provided, single submitter. Criteria: GeneDx Variant Classification Process June 2021. Collection method: clinical testing. Allele origin: germline. Affected: yes.
Comment: Not observed at significant frequency in large population cohorts (gnomAD); In silico analysis supports that this missense variant has a deleterious effect on protein structure/function; Has not been previously published as pathogenic or benign to our knowledge

Labcorp Genetics (formerly Invitae), Labcorp
Classification: Uncertain significance for Amyloidosis, hereditary systemic 1. Last evaluated: 2022-06-26. Review status: criteria provided, single submitter. Criteria: Invitae Variant Classification Sherloc (09022015). Collection method: clinical testing. Allele origin: germline.
Comment: This sequence change replaces proline, which is neutral and non-polar, with histidine, which is basic and polar, at codon 145 of the TTR protein (p.Pro145His). This variant is not present in population databases (gnomAD no frequency). This variant has not been reported in the literature in individuals affected with TTR-related conditions. Advanced modeling of protein sequence and biophysical properties (such as structural, functional, and spatial information, amino acid conservation, physicochemical variation, residue mobility, and thermodynamic stability) performed at Invitae indicates that this missense variant is expected to disrupt TTR protein function. In summary, the available evidence is currently insufficient to determine the role of this variant in disease. Therefore, it has been classified as a Variant of Uncertain Significance.